The following is an entry in ClinVar:

ClinVar aggregate classification (germline): Uncertain significance (1 of 4 stars; one submission).

Conditions:
Inborn genetic diseases. Identifiers: MedGen C0950123, MeSH D030342.

gnomAD v4.1: 2 of 1,614,236 alleles (0.00012%); highest among the groups gnomAD compares: Non-Finnish European, 0.00017%; no homozygotes.

Submission:

Ambry Genetics
Classification: Uncertain significance for Inborn genetic diseases. Last evaluated: 2026-03-19. Review status: criteria provided, single submitter. Criteria: Ambry Variant Classification Scheme 2023. Collection method: clinical testing. Allele origin: germline.
Comment: The c.2457G>C (p.R819S) alteration is located in exon 17 (coding exon 16) of the LAMB3 gene. This alteration results from a G to C substitution at nucleotide position 2457, causing the arginine (R) at amino acid position 819 to be replaced by a serine (S). Based on data from gnomAD, the C allele has an overall frequency of <0.001% (1/251230) total alleles studied. The highest observed frequency was 0.001% (1/113614) of European (non-Finnish) alleles. Based on insufficient or conflicting evidence, the clinical significance of this alteration remains unclear.

NM_000228.3(LAMB3):c.2457G>C (p.Arg819Ser)

Gene: LAMB3 (laminin subunit beta 3; minus strand). Cytogenetic location: 1q32.2.
Variant type: single nucleotide variant.
Coding change: c.2457G>C on transcript NM_000228.3 (MANE Select); coding-DNA position 2457, G replaced by C.
Protein change: p.Arg819Ser; replaces arginine 819 with serine.
Molecular consequence: missense variant.
Genome position (GRCh38, 1-based): chr1:209,623,081, C>G on the plus strand (G>C on the coding strand, the complement: LAMB3 is on the minus strand). VCF-style: chr1-209623081-C-G. GRCh37 (hg19) VCF-style: chr1-209796426-C-G.
Other names: c.2457G>C, p.Arg819Ser (NM_001017402.2, NM_001127641.1); short protein forms R819S.
Identifiers: ClinVar variation 4859119 (VCV004859119.1).